The following is an entry in ClinVar:

NM_032383.5(HPS3):c.614_615insGATGTGTATAAGAGAC (p.Val206fs)

Gene: HPS3 (HPS3 biogenesis of lysosomal organelles complex 2 subunit 1; plus strand). Cytogenetic location: 3q24.
Variant type: Insertion.
Coding change: c.614_615insGATGTGTATAAGAGAC on transcript NM_032383.5 (MANE Select); coding-DNA positions 614 to 615, GATGTGTATAAGAGAC inserted.
Protein change: p.Val206fs; shifts the reading frame from valine 206.
Molecular consequence: frameshift variant. On other transcripts: intron variant (1).
Genome position: GRCh38 VCF-style: chr3-149140400-A-AGATGTGTATAAGAGAC. GRCh37 (hg19) VCF-style: chr3-148858187-A-AGATGTGTATAAGAGAC.
Other names: c.218-617_218-616insGATGTGTATAAGAGAC (NM_001308258.2); short protein forms V206fs.
Identifiers: ClinVar variation 5010809 (VCV005010809.1).

ClinVar aggregate classification (germline): Pathogenic (1 of 4 stars; one submission).

Conditions:
Hermansky-Pudlak syndrome 3 (HPS3). Identifiers: Orphanet 231512, Orphanet 79430, MedGen C3888001, MONDO:0013555, OMIM 614072.

Submission:

Myriad Genetics, Inc.
Classification: Pathogenic for Hermansky-Pudlak syndrome 3. Last evaluated: 2024-05-14. Review status: criteria provided, single submitter. Criteria: Myriad Autosomal Dominant, Autosomal Recessive and X-Linked Classification Criteria (2023). Collection method: clinical testing. Allele origin: unknown.
Comment: NM_032383.3(HPS3):c.614_615ins16(V206Mfs*16) is expected to be pathogenic in the context of Hermansky-Pudlak syndrome, HPS3-related. This variant is predicted to lead to an abnormal or absent protein product due to the creation of a premature termination codon in HPS3, a gene where loss-of-function variants are known to be pathogenic. Please note: this variant was assessed in the context of healthy population screening.